The following is an entry in ClinVar:

NM_025137.4(SPG11):c.440T>C (p.Ile147Thr)

Gene: SPG11 (SPG11 vesicle trafficking associated, spatacsin; minus strand). Cytogenetic location: 15q21.1.
Variant type: single nucleotide variant.
Coding change: c.440T>C on transcript NM_025137.4 (MANE Select); coding-DNA position 440, T replaced by C.
Protein change: p.Ile147Thr; replaces isoleucine 147 with threonine.
Molecular consequence: missense variant.
Genome position (GRCh38, 1-based): chr15:44,660,434, A>G on the plus strand (T>C on the coding strand, the complement: SPG11 is on the minus strand). VCF-style: chr15-44660434-A-G. GRCh37 (hg19) VCF-style: chr15-44952632-A-G.
Other names: c.440T>C, p.Ile147Thr (NM_001160227.2); short protein forms I147T.
Identifiers: ClinVar variation 466530 (VCV000466530.8), dbSNP rs547491883, ClinGen allele CA7535841.

ClinVar aggregate classification (germline): Uncertain significance. Review status: criteria provided, single submitter (1 of 4 stars). 3 submissions from 3 submitters: Uncertain significance (1). 2 of the submissions do not count toward it. Last evaluated 2021-09-01.

Conditions:
Hereditary spastic paraplegia 11. Also called: SPASTIC PARAPLEGIA, AUTOSOMAL RECESSIVE, COMPLICATED, WITH THIN CORPUS CALLOSUM; SPASTIC PARAPLEGIA, AUTOSOMAL RECESSIVE, WITH MENTAL IMPAIRMENT AND THIN CORPUS CALLOSUM; Nakamura Osame syndrome; Autosomal recessive hereditary spastic paraplegia, mental impairment, and thin corpus callosum; Spastic paraplegia, mental retardation and thin corpus callosum; Spastic Paraplegia 11. Identifiers: Orphanet 2822, MedGen C1858479, MONDO:0011445, OMIM 604360.

gnomAD v4.1: 11 of 1,613,026 alleles (0.00068%); highest among the groups gnomAD compares: South Asian, 0.0055%; no homozygotes.

Submissions (3):

Labcorp Genetics (formerly Invitae), Labcorp
Classification: Uncertain significance for Hereditary spastic paraplegia 11. Last evaluated: 2021-09-01. Review status: criteria provided, single submitter. Criteria: Invitae Variant Classification Sherloc (09022015). Collection method: clinical testing. Allele origin: germline.
Comment: This sequence change replaces isoleucine with threonine at codon 147 of the SPG11 protein (p.Ile147Thr). The isoleucine residue is moderately conserved and there is a moderate physicochemical difference between isoleucine and threonine. This variant is present in population databases (rs547491883, ExAC 0.01%). This variant has not been reported in the literature in individuals affected with SPG11-related conditions. Algorithms developed to predict the effect of missense changes on protein structure and function are either unavailable or do not agree on the potential impact of this missense change (SIFT: "Deleterious"; PolyPhen-2: "Benign"; Align-GVGD: "Class C0"). In summary, the available evidence is currently insufficient to determine the role of this variant in disease. Therefore, it has been classified as a Variant of Uncertain Significance.

Clinical Genetics DNA and cytogenetics Diagnostics Lab, Erasmus MC, Erasmus Medical Center
Classification: Likely benign. Review status: no assertion criteria provided. Collection method: clinical testing. Allele origin: germline. Affected: yes. Study: VKGL Data-share Consensus. Not counted in ClinVar's aggregate classification.

Genome Diagnostics Laboratory, Amsterdam University Medical Center
Classification: Likely benign. Review status: no assertion criteria provided. Collection method: clinical testing. Allele origin: germline. Affected: yes. Study: VKGL Data-share Consensus. Not counted in ClinVar's aggregate classification.